The following is an entry in ClinVar:

ClinVar aggregate classification (germline): Uncertain significance (1 of 4 stars; one submission).

Allele frequency attached by ClinVar (database versions not stated): 1000 Genomes Project 0.00020; ExAC 0.00017; gnomAD 0.00006; 1000 Genomes Project 30x 0.00016; ESP Exome Variant Server 0.00023.
gnomAD v4.1: 146 of 1,613,340 alleles (0.009%); highest among the groups gnomAD compares: Middle Eastern, 0.066%; no homozygotes.

Submission:

Labcorp Genetics (formerly Invitae), Labcorp
Classification: Uncertain significance. Last evaluated: 2022-07-25. Review status: criteria provided, single submitter. Criteria: Invitae Variant Classification Sherloc (09022015). Collection method: clinical testing. Allele origin: germline.
Comment: This sequence change replaces arginine, which is basic and polar, with glutamine, which is neutral and polar, at codon 275 of the XYLT2 protein (p.Arg275Gln). This variant is present in population databases (rs199983537, gnomAD 0.02%). This variant has not been reported in the literature in individuals affected with XYLT2-related conditions. Algorithms developed to predict the effect of missense changes on protein structure and function are either unavailable or do not agree on the potential impact of this missense change (SIFT: "Deleterious"; PolyPhen-2: "Probably Damaging"; Align-GVGD: "Class C0"). Algorithms developed to predict the effect of sequence changes on RNA splicing suggest that this variant may create or strengthen a splice site. In summary, the available evidence is currently insufficient to determine the role of this variant in disease. Therefore, it has been classified as a Variant of Uncertain Significance.

NM_022167.4(XYLT2):c.824G>A (p.Arg275Gln)

Gene: XYLT2 (xylosyltransferase 2; plus strand). Cytogenetic location: 17q21.33.
Variant type: single nucleotide variant.
Coding change: c.824G>A on transcript NM_022167.4 (MANE Select); coding-DNA position 824, G replaced by A.
Protein change: p.Arg275Gln; replaces arginine 275 with glutamine.
Molecular consequence: missense variant.
Genome position (GRCh38, 1-based): chr17:50,354,873, G>A. VCF-style: chr17-50354873-G-A. GRCh37 (hg19) VCF-style: chr17-48432234-G-A.
Other names: short protein forms R275Q.
Identifiers: ClinVar variation 2081085 (VCV002081085.1), dbSNP rs199983537, ClinGen allele CA8646286.
Genomic context (GRCh38, chr17:50,354,873, plus strand): 5'-CGATAACACTGGAGGCTAGCTGAGTGTCTCCTCCCCACCAGCGTTCCGACTACCTGCACC[G>A]GGAGGTGGTGGAGCTGGCCCAGGGCTATGATAACGTGCGGGTGACGCCCTGGCGCATGGT-3'
Protein context (NP_071450.2, residues 265-285): HVDKRSDYLH[Arg275Gln]EVVELAQGYD